The following is an entry in ClinVar:

NM_001371596.2(MFSD8):c.1394G>A (p.Arg465Gln)

Gene: MFSD8 (major facilitator superfamily domain containing 8; minus strand). Cytogenetic location: 4q28.2.
Variant type: single nucleotide variant.
Coding change: c.1394G>A on transcript NM_001371596.2 (MANE Select); coding-DNA position 1394, G replaced by A.
Protein change: p.Arg465Gln; replaces arginine 465 with glutamine.
Molecular consequence: missense variant.
Genome position (GRCh38, 1-based): chr4:127,920,793, C>T on the plus strand (G>A on the coding strand, the complement: MFSD8 is on the minus strand). VCF-style: chr4-127920793-C-T. GRCh37 (hg19) VCF-style: chr4-128841948-C-T.
Other names: c.1193G>A, p.Arg398Gln (NM_001363520.3); c.1079G>A, p.Arg360Gln (NM_001363521.3); c.1259G>A, p.Arg420Gln (NM_001371590.2); c.1403G>A, p.Arg468Gln (NM_001371591.2); c.1400G>A, p.Arg467Gln (NM_001371592.2); c.1280G>A, p.Arg427Gln (NM_001371593.2); c.1247G>A, p.Arg416Gln (NM_001371594.2); c.1112G>A, p.Arg371Gln (NM_001371595.1); and 4 more; short protein forms R360Q, R371Q, R398Q, R416Q, R420Q, R427Q, R465Q, R467Q.
Identifiers: ClinVar variation 983438 (VCV000983438.13), dbSNP rs1275962600, ClinGen allele CA358170787.
Genomic context (GRCh38, chr4:127,920,793, plus strand): 5'-AATGCCCATCGTGGTCCCCAGTGAGCATACACTTGGCTGATGAACATAGGCCCAAGAATC[C>T]GGGCTCCACTTCCAGATGCTGTTAACCAGCCCATGTATACACCCTGTTGGGGGTGAAATG-3'
Protein context (NP_001358525.1, residues 455-475): GWLTASGSGA[Arg465Gln]ILGPMFISQV

ClinVar aggregate classification (germline): Conflicting classifications of pathogenicity. Review status: criteria provided, conflicting classifications (1 of 4 stars). 7 submissions from 7 submitters: Pathogenic (2); Likely pathogenic (4); Uncertain significance (1). Last evaluated 2025-01-15.

Conditions:
MFSD8-related disorders.
Late-infantile neuronal ceroid lipofuscinosis. Also called: Jansky-Bielschowsky disease. Identifiers: MedGen C0022340, MONDO:0015674.
Neuronal ceroid lipofuscinosis 7 (CLN7). Also called: MFSD8-Related Neuronal Ceroid-Lipofuscinosis. Identifiers: Orphanet 168491, Orphanet 228366, MedGen C1838571, MONDO:0012588, OMIM 610951.

Allele frequency attached by ClinVar (database versions not stated): gnomAD 0.00001; gnomAD exomes 0.00001; TOPMed 0.00001.
gnomAD v4.1: 9 of 1,613,904 alleles (0.00056%); highest among the groups gnomAD compares: Admixed American, 0.0017%; no homozygotes.

Submissions (7):

Natera, Inc.
Classification: Likely pathogenic for Late-infantile neuronal ceroid lipofuscinosis. Last evaluated: 2025-01-15. Review status: criteria provided, single submitter. Criteria: Natera Variant Classification Schema (03/2026). Collection method: clinical testing. Allele origin: germline.
Comment: The c.1394G>A variant in MFSD8 is a missense variant predicted to cause substitution of arginine to glutamine at amino acid 465. This variant is rare in the general population with a frequency below the threshold expected for the associated phenotype(s). This variant has been observed in one or more individuals affected with the associated recessive disease, as either homozygous or compound heterozygous with a second variant (PMID: 26075876, 21990111, 34888859). Computational prediction algorithms indicate this variant is likely to affect gene or protein function. Given the available evidence, this variant is classified as Likely Pathogenic.

De Paul lab, Instituto de Investigacion En Ciencias de La Salud , Consejo Nacional de Investigaciones Cientificas y Tecnicas
Classification: Pathogenic for Neuronal ceroid lipofuscinosis 7. Last evaluated: 2024-08-01. Review status: criteria provided, single submitter. Criteria: ACMG Guidelines, 2015. Collection method: clinical testing. Allele origin: inherited. Inheritance: Autosomal recessive inheritance. Affected: yes. Observed: 1 variant allele, 1 compound heterozygote.

Blueprint Genetics
Classification: Pathogenic for MFSD8-related disorders. Last evaluated: 2023-07-04. Review status: criteria provided, single submitter. Criteria: ACMG Guidelines, 2015. Collection method: clinical testing. Allele origin: germline. Affected: yes. Observed: 5 variant alleles.

Labcorp Genetics (formerly Invitae), Labcorp
Classification: Uncertain significance for Neuronal ceroid lipofuscinosis 7. Last evaluated: 2022-10-24. Review status: criteria provided, single submitter. Criteria: Invitae Variant Classification Sherloc (09022015). Collection method: clinical testing. Allele origin: germline.
Comment: This sequence change replaces arginine, which is basic and polar, with glutamine, which is neutral and polar, at codon 465 of the MFSD8 protein (p.Arg465Gln). This variant is not present in population databases (gnomAD no frequency). This missense change has been observed in individual(s) with MFSD-related conditions (PMID: 21990111, 28586915, 33084218). ClinVar contains an entry for this variant (Variation ID: 983438). Algorithms developed to predict the effect of missense changes on protein structure and function (SIFT, PolyPhen-2, Align-GVGD) all suggest that this variant is likely to be disruptive. In summary, the available evidence is currently insufficient to determine the role of this variant in disease. Therefore, it has been classified as a Variant of Uncertain Significance.

GeneDx
Classification: Likely pathogenic. Last evaluated: 2022-01-11. Review status: criteria provided, single submitter. Criteria: GeneDx Variant Classification Process June 2021. Collection method: clinical testing. Allele origin: germline. Affected: yes.
Comment: Published functional studies demonstrate a damaging effect (Wang et al., 2021); Not observed at significant frequency in large population cohorts (gnomAD); In silico analysis supports that this missense variant has a deleterious effect on protein structure/function; Observed with a pathogenic variant in a patient with variant late-infantile neuronal ceroid lipofuscinosis, but it is not known whether the variants occurred on the same (in cis) or on different (in trans) chromosomes (Kousi et al., 2012); Observed with a possible hypomorphic variant on the opposite allele (in trans) in three siblings with late-onset isolated maculopathy (Khan et al.; 2017); This variant is associated with the following publications: (PMID: 34910516, 28586915, 31741823, 30487145, 21990111, 33084218)

Revvity Omics, Revvity
Classification: Likely pathogenic. Last evaluated: 2021-12-10. Review status: criteria provided, single submitter. Criteria: ACMG Guidelines, 2015. Collection method: clinical testing. Allele origin: germline.

Consultorio y Laboratorio de Neurogenética, Hospital JM Ramos Mejia
Classification: Likely pathogenic for Neuronal ceroid lipofuscinosis 7. Review status: criteria provided, single submitter. Criteria: CÃ³rdoba et al. (PLoS One. 2018). Collection method: clinical testing. Allele origin: unknown. Inheritance: Autosomal recessive inheritance. Affected: yes. Observed: 1 compound heterozygote.

Literature cited by the submitters: PubMed 26075876 (cited by Natera, Inc.); PubMed 21990111 (cited by Natera, Inc. and Labcorp Genetics (formerly Invitae), Labcorp); PubMed 34888859 (cited by Natera, Inc.); PubMed 28586915 (cited by Labcorp Genetics (formerly Invitae), Labcorp); PubMed 33084218 (cited by Labcorp Genetics (formerly Invitae), Labcorp).